The following is an entry in ClinVar:

NM_004260.4(RECQL4):c.3526G>A (p.Val1176Met)

Gene: RECQL4 (RecQ like helicase 4; minus strand). Cytogenetic location: 8q24.3.
Variant type: single nucleotide variant.
Coding change: c.3526G>A on transcript NM_004260.4 (MANE Select); coding-DNA position 3526, G replaced by A.
Protein change: p.Val1176Met; replaces valine 1176 with methionine.
Molecular consequence: missense variant.
Genome position (GRCh38, 1-based): chr8:144,511,532, C>T on the plus strand (G>A on the coding strand, the complement: RECQL4 is on the minus strand). VCF-style: chr8-144511532-C-T. GRCh37 (hg19) VCF-style: chr8-145736915-C-T.
Other names: short protein forms V1176M.
Identifiers: ClinVar variation 573025 (VCV000573025.5), dbSNP rs751477241, ClinGen allele CA372666080.

ClinVar aggregate classification (germline): Uncertain significance (1 of 4 stars; one submission).

Conditions:
Baller-Gerold syndrome (BGS). Also called: CRANIOSYNOSTOSIS WITH RADIAL DEFECTS. Identifiers: Orphanet 1225, MedGen C0265308, MONDO:0009039, OMIM 218600.

Allele frequency attached by ClinVar (database versions not stated): TOPMed 0.00001.

Submission:

Labcorp Genetics (formerly Invitae), Labcorp
Classification: Uncertain significance for Baller-Gerold syndrome. Last evaluated: 2022-05-31. Review status: criteria provided, single submitter. Criteria: Invitae Variant Classification Sherloc (09022015). Collection method: clinical testing. Allele origin: germline.
Comment: This sequence change replaces valine, which is neutral and non-polar, with methionine, which is neutral and non-polar, at codon 1176 of the RECQL4 protein (p.Val1176Met). This variant is present in population databases (no rsID available, gnomAD 0.006%). This variant has not been reported in the literature in individuals affected with RECQL4-related conditions. ClinVar contains an entry for this variant (Variation ID: 573025). In summary, the available evidence is currently insufficient to determine the role of this variant in disease. Therefore, it has been classified as a Variant of Uncertain Significance.